The following is an entry in ClinVar:

ClinVar aggregate classification (germline): Pathogenic (1 of 4 stars; one submission).

Conditions:
Chromosome 2q32-q33 deletion syndrome (GLASS). Also called: Glass syndrome; 2q33.1 deletion syndrome. Identifiers: Orphanet 251019, MedGen C2676739, MONDO:0012864, OMIM 612313.

Submission:

University of Washington Department of Laboratory Medicine, University of Washington
Classification: Pathogenic for Chromosome 2q32-q33 deletion syndrome. Last evaluated: 2022-09-01. Review status: criteria provided, single submitter. Criteria: ACMG Guidelines, 2015. Collection method: clinical testing. Allele origin: unknown. Affected: yes.
Comment: The p.Thr658Hisfs*30 variant in the SATB2 gene has been previously reported de novo in 1 individual with SATB2-associated syndrome (Zarate 2018). This variant was absent from large population databases, including the Genome Aggregation Database. The p.Thr658Hisfs*30 leads to a premature termination in the last exon of SATB2. Premature termination at this location is not predicted to undergo nonsense-mediated decay; increasing the likelihood a truncated protein is made. These predictions have not been tested directly. Nonsense variants 3’ to the p.Thr658Hisfs*30 variant have been reported, suggesting that a truncated protein in this region would be deleterious to protein function (Zarate 2018). Using ACMG guidelines, this variant was classified as pathogenic for autosomal dominant SATB2-associated syndrome (ACMG evidence codes used: PVS1_strong, PS2, PM2_supporting).

NM_001172509.2(SATB2):c.1972_1973del (p.Thr658fs)

Genes: SATB2 (SATB homeobox 2; minus strand), LOC126806462 (MED14-independent group 3 enhancer GRCh37_chr2:200136608-200137807; plus strand). Cytogenetic location: 2q33.1.
Variant type: Microsatellite.
Coding change: c.1972_1973del on transcript NM_001172509.2 (MANE Select); coding-DNA positions 1972 to 1973, 2 bases deleted (AC; older notation c.1972_1973delAC).
Protein change: p.Thr658fs; shifts the reading frame from threonine 658.
Molecular consequence: frameshift variant.
Genome position (GRCh38, 1-based): chr2:199,272,440-199,272,441, GT deleted on the plus strand (AC on the coding strand, the reverse complement: SATB2 is on the minus strand); deleting any 2 consecutive bases within chr2:199,272,440-199,272,445 gives the same sequence; the c. name uses the placement nearest the transcript's 3' end. VCF-style (leftmost placement, unchanged base first): chr2-199272439-GGT-G. GRCh37 (hg19) VCF-style: chr2-200137162-GGT-G.
Other names: c.1972_1973del, p.Thr658fs (NM_001172517.1, NM_015265.4); c.1972_1973del (NM_001172509.1); short protein forms T658fs.
Identifiers: ClinVar variation 3777182 (VCV003777182.1).